The following is an entry in ClinVar:

NM_021942.6(TRAPPC11):c.1714G>T (p.Ala572Ser)

Gene: TRAPPC11 (trafficking protein particle complex subunit 11; plus strand). Cytogenetic location: 4q35.1.
Variant type: single nucleotide variant.
Coding change: c.1714G>T on transcript NM_021942.6 (MANE Select); coding-DNA position 1714, G replaced by T.
Protein change: p.Ala572Ser; replaces alanine 572 with serine.
Molecular consequence: missense variant.
Genome position (GRCh38, 1-based): chr4:183,685,355, G>T. VCF-style: chr4-183685355-G-T. GRCh37 (hg19) VCF-style: chr4-184606508-G-T.
Other names: c.1714G>T, p.Ala572Ser (NM_199053.3); short protein forms A572S.
Identifiers: ClinVar variation 3670110 (VCV003670110.2).
Genomic context (GRCh38, chr4:183,685,355, plus strand): 5'-GACTGTGATATCTTAGCTGTGAAAACTGCTCAGAAGCTGTGGGCAGACCGAATTTCTCTG[G>T]CTGGCAGCAATATTTTCACAATAGGAGTACAGGACTTTGTGCCATTTGGTAGGTAGCTAA-3'
Protein context (NP_068761.4, residues 562-582): QKLWADRISL[Ala572Ser]GSNIFTIGVQ

ClinVar aggregate classification (germline): Uncertain significance (1 of 4 stars; one submission).

Conditions:
Autosomal recessive limb-girdle muscular dystrophy type R18 (LGMDR18). Also called: Autosomal recessive limb-girdle muscular dystrophy type 2S; Limb-girdle muscular dystrophy, type 2S; MUSCULAR DYSTROPHY, LIMB-GIRDLE, AUTOSOMAL RECESSIVE 18. Identifiers: Orphanet 369840, MedGen C4517996, MONDO:0014144, OMIM 615356.

gnomAD v4.1: 3 of 1,613,986 alleles (0.00019%); highest among the groups gnomAD compares: African/African-American, 0.0027%; no homozygotes.

Submission:

Labcorp Genetics (formerly Invitae), Labcorp
Classification: Uncertain significance for Autosomal recessive limb-girdle muscular dystrophy type R18. Last evaluated: 2024-07-02. Review status: criteria provided, single submitter. Criteria: Invitae Variant Classification Sherloc (09022015). Collection method: clinical testing. Allele origin: germline.
Comment: This sequence change replaces alanine, which is neutral and non-polar, with serine, which is neutral and polar, at codon 572 of the TRAPPC11 protein (p.Ala572Ser). This variant is present in population databases (rs757320465, gnomAD 0.007%). This variant has not been reported in the literature in individuals affected with TRAPPC11-related conditions. Advanced modeling of protein sequence and biophysical properties (such as structural, functional, and spatial information, amino acid conservation, physicochemical variation, residue mobility, and thermodynamic stability) performed at Invitae indicates that this missense variant is not expected to disrupt TRAPPC11 protein function with a negative predictive value of 80%. In summary, the available evidence is currently insufficient to determine the role of this variant in disease. Therefore, it has been classified as a Variant of Uncertain Significance.